The following is an entry in ClinVar:

NM_020822.3(KCNT1):c.1200+68A>G

Gene: KCNT1 (potassium sodium-activated channel subfamily T member 1; plus strand). Cytogenetic location: 9q34.3.
Variant type: single nucleotide variant.
Coding change: c.1200+68A>G on transcript NM_020822.3 (MANE Select); 68 bases into the intron after coding-DNA position 1200, A replaced by G.
Molecular consequence: intron variant.
Genome position (GRCh38, 1-based): chr9:135,765,263, A>G. VCF-style: chr9-135765263-A-G. GRCh37 (hg19) VCF-style: chr9-138657109-A-G.
Other names: c.1065+68A>G (NM_001272003.2).
Identifiers: ClinVar variation 674496 (VCV000674496.2), dbSNP rs141793832, ClinGen allele CA201465356.

ClinVar aggregate classification (germline): Likely benign. Review status: criteria provided, multiple submitters, no conflicts (2 of 4 stars). 2 submissions from 2 submitters: Likely benign (2). Last evaluated 2018-06-19.

Allele frequency attached by ClinVar (database versions not stated): gnomAD exomes 0.01717; 1000 Genomes Project 0.02196; 1000 Genomes Project 30x 0.02342; gnomAD 0.02398 and 0.02463; TOPMed 0.02764.
gnomAD v4.1: 26,526 of 1,465,754 alleles (1.8%); highest among the groups gnomAD compares: Middle Eastern, 6.9%; 389 homozygotes.

Submissions (2):

GeneDx
Classification: Likely benign. Last evaluated: 2018-06-19. Review status: criteria provided, single submitter. Criteria: GeneDx Variant Classification (06012015). Collection method: clinical testing. Allele origin: germline. Affected: yes.
Comment: This variant is considered likely benign or benign based on one or more of the following criteria: it is a conservative change, it occurs at a poorly conserved position in the protein, it is predicted to be benign by multiple in silico algorithms, and/or has population frequency not consistent with disease.

Breakthrough Genomics
Classification: Likely benign. Review status: criteria provided, single submitter. Criteria: ACMG Guidelines, 2015. Collection method: not provided. Allele origin: germline. Inheritance: Autosomal dominant inheritance. Affected: yes.